The following is an entry in ClinVar:

NM_001291415.2(KDM6A):c.2939A>G (p.Tyr980Cys)

Gene: KDM6A (lysine demethylase 6A; plus strand). Cytogenetic location: Xp11.3.
Variant type: single nucleotide variant.
Coding change: c.2939A>G on transcript NM_001291415.2 (MANE Select); coding-DNA position 2939, A replaced by G.
Protein change: p.Tyr980Cys; replaces tyrosine 980 with cysteine.
Molecular consequence: missense variant. On other transcripts: non-coding transcript variant (1).
Genome position (GRCh38, 1-based): chrX:45,076,777, A>G. VCF-style: chrX-45076777-A-G. GRCh37 (hg19) VCF-style: chrX-44936022-A-G.
Other names: c.2804A>G, p.Tyr935Cys (NM_001291416.2, NM_001419811.1); c.2648A>G, p.Tyr883Cys (NM_001291417.2); c.2546A>G, p.Tyr849Cys (NM_001291418.2, NM_001419815.1); c.1895A>G, p.Tyr632Cys (NM_001291421.2); c.2681A>G, p.Tyr894Cys (NM_001410742.1, NM_001419814.1); c.2939A>G, p.Tyr980Cys (NM_001419809.1); c.2837A>G, p.Tyr946Cys (NM_001419810.1, NM_001419813.1); c.2783A>G, p.Tyr928Cys (NM_001419812.1, NM_021140.4); short protein forms Y928C, Y946C, Y980C, Y632C, Y883C, Y935C, Y849C, Y894C.
Identifiers: ClinVar variation 3673580 (VCV003673580.3).

ClinVar aggregate classification (germline): Uncertain significance. Review status: criteria provided, multiple submitters, no conflicts (2 of 4 stars). 2 submissions from 2 submitters: Uncertain significance (2). Last evaluated 2025-01-20.

Conditions:
Kabuki syndrome 2 (KABUK2). Also called: KDM6A-Related Kabuki Syndrome. Identifiers: Orphanet 2322, MedGen C3275495, MONDO:0010465, OMIM 300867.

gnomAD v4.1: 1 of 1,193,496 alleles (0.000084%); highest among the groups gnomAD compares: Non-Finnish European, 0.00011%; no homozygotes.

Submissions (2):

Labcorp Genetics (formerly Invitae), Labcorp
Classification: Uncertain significance for Kabuki syndrome 2. Last evaluated: 2025-01-20. Review status: criteria provided, single submitter. Criteria: Invitae Variant Classification Sherloc (09022015). Collection method: clinical testing. Allele origin: germline.
Comment: This sequence change replaces tyrosine, which is neutral and polar, with cysteine, which is neutral and slightly polar, at codon 928 of the KDM6A protein (p.Tyr928Cys). This variant is not present in population databases (gnomAD no frequency). This variant has not been reported in the literature in individuals affected with KDM6A-related conditions. Invitae Evidence Modeling of protein sequence and biophysical properties (such as structural, functional, and spatial information, amino acid conservation, physicochemical variation, residue mobility, and thermodynamic stability) indicates that this missense variant is not expected to disrupt KDM6A protein function with a negative predictive value of 80%. In summary, the available evidence is currently insufficient to determine the role of this variant in disease. Therefore, it has been classified as a Variant of Uncertain Significance.

Blueprint Genetics
Classification: Uncertain significance. Last evaluated: 2021-08-25. Review status: criteria provided, single submitter. Criteria: ACMG Guidelines, 2015. Collection method: clinical testing. Allele origin: germline.